The following is an entry in ClinVar:

NM_014956.5(CEP164):c.2379G>A (p.Gln793=)

Gene: CEP164 (centrosomal protein 164; plus strand). Cytogenetic location: 11q23.3.
Variant type: single nucleotide variant.
Coding change: c.2379G>A on transcript NM_014956.5 (MANE Select); coding-DNA position 2379, G replaced by A.
Protein change: p.Gln793=; no amino-acid change (glutamine 793 retained).
Molecular consequence: synonymous variant.
Genome position (GRCh38, 1-based): chr11:117,392,513, G>A. VCF-style: chr11-117392513-G-A. GRCh37 (hg19) VCF-style: chr11-117263229-G-A.
Other names: c.2388G>A, p.Gln796= (NM_001271933.2); c.2379G>A (NM_014956.4).
Identifiers: ClinVar variation 1095949 (VCV001095949.12), dbSNP rs190692742, ClinGen allele CA6295056.

ClinVar aggregate classification (germline): Likely benign. Review status: criteria provided, multiple submitters, no conflicts (2 of 4 stars). 4 submissions from 4 submitters: Likely benign (3). 1 of the submissions does not count toward it. Last evaluated 2025-12-15.

Conditions:
CEP164-related disorder. Also called: CEP164-related condition.
Nephronophthisis 15 (NPHP15). Identifiers: Orphanet 3156, MedGen C3541853, MONDO:0013917, OMIM 614845.

Allele frequency attached by ClinVar (database versions not stated): gnomAD exomes 0.00002 and 0.00013; gnomAD 0.00004 and 0.00005; ESP Exome Variant Server 0.00008; ExAC 0.00010; TOPMed 0.00010; 1000 Genomes Project 0.00020; 1000 Genomes Project 30x 0.00031.
gnomAD v4.1: 43 of 1,614,096 alleles (0.0027%); highest among the groups gnomAD compares: Admixed American, 0.068%; no homozygotes.

Submissions (4):

Labcorp Genetics (formerly Invitae), Labcorp
Classification: Likely benign for Nephronophthisis 15. Last evaluated: 2025-12-15. Review status: criteria provided, single submitter. Criteria: Invitae Variant Classification Sherloc (09022015). Collection method: clinical testing. Allele origin: germline.

Blueprint Genetics
Classification: Likely benign. Last evaluated: 2023-07-20. Review status: criteria provided, single submitter. Criteria: ACMG Guidelines, 2015. Collection method: clinical testing. Allele origin: germline.

Fulgent Genetics
Classification: Likely benign for Nephronophthisis 15. Last evaluated: 2022-02-11. Review status: criteria provided, single submitter. Criteria: ACMG Guidelines, 2015. Collection method: clinical testing. Allele origin: unknown.

PreventionGenetics, part of Exact Sciences
Classification: Likely benign for CEP164-related condition. Last evaluated: 2024-09-04. Review status: no assertion criteria provided. Collection method: clinical testing. Allele origin: germline. Not counted in ClinVar's aggregate classification.
Comment: This variant is classified as likely benign based on ACMG/AMP sequence variant interpretation guidelines (Richards et al. 2015 PMID: 25741868, with internal and published modifications).